The following is an entry in ClinVar:

ClinVar aggregate classification (germline): Uncertain significance (1 of 4 stars; one submission).

gnomAD v4.1: 13 of 1,562,308 alleles (0.00083%); highest among the groups gnomAD compares: Non-Finnish European, 0.0011%; no homozygotes.

Submission:

Women's Health and Genetics/Laboratory Corporation of America, LabCorp
Classification: Uncertain significance. Last evaluated: 2024-05-16. Review status: criteria provided, single submitter. Criteria: LabCorp Variant Classification Summary - May 2015. Collection method: clinical testing. Allele origin: germline.
Comment: Variant summary: SMG9 c.1033C>T (p.Pro345Ser) results in a non-conservative amino acid change in the encoded protein sequence. Three of five in-silico tools predict a damaging effect of the variant on protein function. The variant allele was found at a frequency of 1.7e-05 in 172980 control chromosomes. The available data on variant occurrences in the general population are insufficient to allow any conclusion about variant significance. To our knowledge, no occurrence of c.1033C>T in individuals affected with Neurodevelopmental Disorder With Intention Tremor, Pyramidal Signs, Dyspraxia, And Ocular Anomalies and no experimental evidence demonstrating its impact on protein function have been reported. No submitters have cited clinical-significance assessments for this variant to ClinVar. Based on the evidence outlined above, the variant was classified as uncertain significance.

NM_019108.4(SMG9):c.1033C>T (p.Pro345Ser)

Gene: SMG9 (SMG9 nonsense mediated mRNA decay factor; minus strand). Cytogenetic location: 19q13.31.
Variant type: single nucleotide variant.
Coding change: c.1033C>T on transcript NM_019108.4 (MANE Select); coding-DNA position 1033, C replaced by T.
Protein change: p.Pro345Ser; replaces proline 345 with serine.
Molecular consequence: missense variant.
Genome position (GRCh38, 1-based): chr19:43,734,458, G>A on the plus strand (C>T on the coding strand, the complement: SMG9 is on the minus strand). VCF-style: chr19-43734458-G-A. GRCh37 (hg19) VCF-style: chr19-44238610-G-A.
Other names: short protein forms P345S.
Identifiers: ClinVar variation 3336546 (VCV003336546.1).
Genomic context (GRCh38, chr19:43,734,458, plus strand): 5'-GGTAGTACTCGGTGCCTTCATCGGAGCCCGATGAGCTGCTGGACTCGTGGCTGGGGGATG[G>A]GGTGGAGGGCTTCACCATCTCTGCTGTCTGCAGGAACCTTGGGGTTTGGGGTGAGTGGCT-3'
Protein context (NP_061981.2, residues 335-355): QTAEMVKPST[Pro345Ser]SPSHESSSSS